The following is an entry in ClinVar:

NM_198503.5(KCNT2):c.1500dup (p.Ala501fs)

Gene: KCNT2 (potassium sodium-activated channel subfamily T member 2; minus strand). Cytogenetic location: 1q31.3.
Variant type: Duplication.
Coding change: c.1500dup on transcript NM_198503.5 (MANE Select); coding-DNA position 1500, one base duplicated (T; older notation c.1500dupT).
Protein change: p.Ala501fs; shifts the reading frame from alanine 501.
Molecular consequence: frameshift variant. On other transcripts: non-coding transcript variant (2), intron variant (1).
Genome position (GRCh38, 1-based): chr1:196,342,132, A duplicated on the plus strand (T on the coding strand, the reverse complement: KCNT2 is on the minus strand); the first of 6 consecutive A bases (chr1:196,342,132-196,342,137); duplicating any one gives the same sequence. VCF-style (leftmost placement, unchanged base first): chr1-196342131-C-CA. GRCh37 (hg19) VCF-style: chr1-196311261-C-CA.
Other names: c.1500dup, p.Ala501fs (NM_001287819.3); c.1404-1562dup (NM_001287820.3); short protein forms A501fs.
Identifiers: ClinVar variation 3252896 (VCV003252896.1), dbSNP rs1249079077.

ClinVar aggregate classification (germline): Uncertain significance (1 of 4 stars; one submission).

Submission:

GeneDx
Classification: Uncertain significance. Last evaluated: 2024-07-02. Review status: criteria provided, single submitter. Criteria: GeneDx Variant Classification Process June 2021. Collection method: clinical testing. Allele origin: germline. Affected: yes.
Comment: Frameshift variant predicted to result in protein truncation or nonsense mediated decay in a gene or region of a gene for which loss of function is not a well-established mechanism of disease; Has not been previously published as pathogenic or benign to our knowledge